The following is an entry in ClinVar:

ClinVar aggregate classification (germline): Uncertain significance (1 of 4 stars; one submission).

Conditions:
Intellectual developmental disorder, autosomal dominant 52. Also called: Mental retardation, autosomal dominant 52; Intellectual disability, autosomal dominant 52. Identifiers: MedGen C4540478, MONDO:0030918, OMIM 617796.

Submission:

Baylor Genetics
Classification: Uncertain significance for Intellectual developmental disorder, autosomal dominant 52. Last evaluated: 2018-08-23. Review status: criteria provided, single submitter. Criteria: ACMG Guidelines, 2015. Collection method: clinical testing. Allele origin: maternal. Affected: yes.
Comment: This variant was determined to be of uncertain significance according to ACMG Guidelines, 2015 [PMID:25741868].

NM_018489.3(ASH1L):c.8447A>G (p.Lys2816Arg)

Gene: ASH1L (ASH1 like histone lysine methyltransferase; minus strand). Cytogenetic location: 1q22.
Variant type: single nucleotide variant.
Coding change: c.8447A>G on transcript NM_018489.3 (MANE Select); coding-DNA position 8447, A replaced by G.
Protein change: p.Lys2816Arg; replaces lysine 2816 with arginine.
Molecular consequence: missense variant.
Genome position (GRCh38, 1-based): chr1:155,341,949, T>C on the plus strand (A>G on the coding strand, the complement: ASH1L is on the minus strand). VCF-style: chr1-155341949-T-C. GRCh37 (hg19) VCF-style: chr1-155311740-T-C.
Other names: c.8462A>G, p.Lys2821Arg (NM_001366177.2); short protein forms K2821R, K2816R.
Identifiers: ClinVar variation 1033493 (VCV001033493.1), dbSNP rs1652858406, ClinGen allele CA342723534.